The following is an entry in ClinVar:

ClinVar aggregate classification (germline): Pathogenic (1 of 4 stars; one submission).

Submission:

Labcorp Genetics (formerly Invitae), Labcorp
Classification: Pathogenic. Last evaluated: 2025-10-21. Review status: criteria provided, single submitter. Criteria: Invitae Variant Classification Sherloc (09022015). Collection method: clinical testing. Allele origin: germline.
Comment: This sequence change creates a premature translational stop signal (p.Gly289*) in the COL9A3 gene. It is expected to result in an absent or disrupted protein product. Loss-of-function variants in COL9A3 are known to be pathogenic (PMID: 24273071, 31090205). This variant is not present in population databases (gnomAD no frequency). This variant has not been reported in the literature in individuals affected with COL9A3-related conditions. For these reasons, this variant has been classified as Pathogenic.

Literature cited by the submitters: PubMed 24273071; PubMed 31090205.

NM_001853.4(COL9A3):c.865G>T (p.Gly289Ter)

Gene: COL9A3 (collagen type IX alpha 3 chain; plus strand). Cytogenetic location: 20q13.33.
Variant type: single nucleotide variant.
Coding change: c.865G>T on transcript NM_001853.4 (MANE Select); coding-DNA position 865, G replaced by T.
Protein change: p.Gly289Ter; replaces glycine 289 with a stop codon.
Molecular consequence: nonsense.
Genome position (GRCh38, 1-based): chr20:62,827,941, G>T. VCF-style: chr20-62827941-G-T. GRCh37 (hg19) VCF-style: chr20-61459293-G-T.
Other names: short protein forms G289*.
Identifiers: ClinVar variation 4729555 (VCV004729555.1).